The following is an entry in ClinVar:

ClinVar aggregate classification (germline): Pathogenic (1 of 4 stars; one submission).

Submission:

Labcorp Genetics (formerly Invitae), Labcorp
Classification: Pathogenic. Last evaluated: 2023-10-13. Review status: criteria provided, single submitter. Criteria: Invitae Variant Classification Sherloc (09022015). Collection method: clinical testing. Allele origin: germline.
Comment: This sequence change creates a premature translational stop signal (p.Asn867Thrfs*26) in the DNAH9 gene. It is expected to result in an absent or disrupted protein product. Loss-of-function variants in DNAH9 are known to be pathogenic (PMID: 30471718). This variant is not present in population databases (gnomAD no frequency). This variant has not been reported in the literature in individuals affected with DNAH9-related conditions. For these reasons, this variant has been classified as Pathogenic.

Literature cited by the submitters: PubMed 30471718.

NM_001372.4(DNAH9):c.2600del (p.Asn867fs)

Gene: DNAH9 (dynein axonemal heavy chain 9; plus strand). Cytogenetic location: 17p12.
Variant type: Deletion.
Coding change: c.2600del on transcript NM_001372.4 (MANE Select); coding-DNA position 2600, one base deleted (A; older notation c.2600delA).
Protein change: p.Asn867fs; shifts the reading frame from asparagine 867.
Molecular consequence: frameshift variant.
Genome position (GRCh38, 1-based): chr17:11,664,837, A deleted; the last of 4 consecutive A bases (chr17:11,664,834-11,664,837); deleting any one gives the same sequence. VCF-style (leftmost placement, unchanged base first): chr17-11664833-GA-G. GRCh37 (hg19) VCF-style: chr17-11568150-GA-G.
Other names: short protein forms N867fs.
Identifiers: ClinVar variation 2800328 (VCV002800328.3), dbSNP rs1347843810, ClinGen allele CA726048505.